The following is an entry in ClinVar:

ClinVar aggregate classification (germline): Likely benign. Review status: criteria provided, single submitter (1 of 4 stars). 2 submissions from 2 submitters: Likely benign (1). 1 of the submissions does not count toward it. Last evaluated 2024-04-01.

Conditions:
TSC2-related disorder. Also called: TSC2-related condition; TSC2-Related Disorders.

Allele frequency attached by ClinVar (database versions not stated): TOPMed 0.00004; gnomAD 0.00005; ExAC 0.00007.

Submissions (2):

CeGaT Center for Human Genetics Tuebingen
Classification: Likely benign. Last evaluated: 2024-04-01. Review status: criteria provided, single submitter. Criteria: CeGaT Center For Human Genetics Tuebingen Variant Classification Criteria Version 2. Collection method: clinical testing. Allele origin: germline. Affected: yes. Observed: 1 variant allele.
Comment: TSC2: BP4, BP7

PreventionGenetics, part of Exact Sciences
Classification: Likely benign for TSC2-related condition. Last evaluated: 2020-09-29. Review status: no assertion criteria provided. Collection method: clinical testing. Allele origin: germline. Not counted in ClinVar's aggregate classification.
Comment: This variant is classified as likely benign based on ACMG/AMP sequence variant interpretation guidelines (Richards et al. 2015 PMID: 25741868, with internal and published modifications).

NM_000548.5(TSC2):c.5161-22C>A

Gene: TSC2 (TSC complex subunit 2; plus strand). Cytogenetic location: 16p13.3.
Variant type: single nucleotide variant.
Coding change: c.5161-22C>A on transcript NM_000548.5 (MANE Select); 22 bases into the intron before coding-DNA position 5161, C replaced by A.
Molecular consequence: intron variant.
Genome position (GRCh38, 1-based): chr16:2,088,205, C>A. VCF-style: chr16-2088205-C-A. GRCh37 (hg19) VCF-style: chr16-2138206-C-A.
Other names: c.3619-22C>A (NM_001406693.1, NM_001406692.1, NM_001406694.1); c.5053-22C>A (NM_001406667.1); c.5050-22C>A (NM_001406668.1); c.4561-22C>A (NM_001406680.1); c.4492-22C>A (NM_001406683.1, NM_001406682.1); c.4360-22C>A (NM_001406687.1, NM_001406688.1); c.3748-22C>A (NM_001406689.1); c.3688-22C>A (NM_001406690.1); and 27 more.
Identifiers: ClinVar variation 3054436 (VCV003054436.21), dbSNP rs376267429, ClinGen allele CA054220.